The following is an entry in ClinVar:

NM_182493.3(MYLK3):c.884C>A (p.Pro295His)

Gene: MYLK3 (myosin light chain kinase 3; minus strand). Cytogenetic location: 16q11.2.
Variant type: single nucleotide variant.
Coding change: c.884C>A on transcript NM_182493.3 (MANE Select); coding-DNA position 884, C replaced by A.
Protein change: p.Pro295His; replaces proline 295 with histidine.
Molecular consequence: missense variant. On other transcripts: intron variant (1).
Genome position (GRCh38, 1-based): chr16:46,737,828, G>T on the plus strand (C>A on the coding strand, the complement: MYLK3 is on the minus strand). VCF-style: chr16-46737828-G-T. GRCh37 (hg19) VCF-style: chr16-46771740-G-T.
Other names: c.-23+2229C>A (NM_001308301.1); short protein forms P295H.
Identifiers: ClinVar variation 2036299 (VCV002036299.4), dbSNP rs2548907947, ClinGen allele CA395794040.
Genomic context (GRCh38, chr16:46,737,828, plus strand): 5'-GGCCCTGGGCACTGAGGGCCAGGCCCTGGAGTCAGCCTCGTGCCTTCCTCTAAGGGCTCA[G>T]GGTCAGGCCTGCTGGACGATGCTCCTTGTCCTGCACCTGGTGCAACCTCCAGGCTCGGGG-3'
Protein context (NP_872299.2, residues 285-305): GQGASSSRPD[Pro295His]EPLEEGTRLT

ClinVar aggregate classification (germline): Uncertain significance (1 of 4 stars; one submission).

Allele frequency attached by ClinVar (database versions not stated): gnomAD exomes 0.00001.
gnomAD v4.1: 3 of 1,613,532 alleles (0.00019%); highest among the groups gnomAD compares: Non-Finnish European, 0.00025%; no homozygotes.

Submission:

Labcorp Genetics (formerly Invitae), Labcorp
Classification: Uncertain significance. Last evaluated: 2022-10-20. Review status: criteria provided, single submitter. Criteria: Invitae Variant Classification Sherloc (09022015). Collection method: clinical testing. Allele origin: germline.
Comment: In summary, the available evidence is currently insufficient to determine the role of this variant in disease. Therefore, it has been classified as a Variant of Uncertain Significance. Algorithms developed to predict the effect of missense changes on protein structure and function are either unavailable or do not agree on the potential impact of this missense change (SIFT: "Tolerated"; PolyPhen-2: "Possibly Damaging"; Align-GVGD: "Class C0"). This variant has not been reported in the literature in individuals affected with MYLK3-related conditions. This variant is not present in population databases (gnomAD no frequency). This sequence change replaces proline, which is neutral and non-polar, with histidine, which is basic and polar, at codon 295 of the MYLK3 protein (p.Pro295His).